The following is an entry in ClinVar:

NM_033225.6(CSMD1):c.9181T>C (p.Tyr3061His)

Genes: CSMD1 (CUB and Sushi multiple domains 1; minus strand), LOC105377785 (uncharacterized LOC105377785; plus strand). Cytogenetic location: 8p23.2.
Variant type: single nucleotide variant.
Coding change: c.9181T>C on transcript NM_033225.6 (MANE Select); coding-DNA position 9181, T replaced by C.
Protein change: p.Tyr3061His; replaces tyrosine 3061 with histidine.
Molecular consequence: missense variant.
Genome position (GRCh38, 1-based): chr8:2,965,874, A>G on the plus strand (T>C on the coding strand, the complement: CSMD1 is on the minus strand). VCF-style: chr8-2965874-A-G. GRCh37 (hg19) VCF-style: chr8-2823396-A-G.
Other names: short protein forms Y3061H.
Identifiers: ClinVar variation 2630001 (VCV002630001.1), dbSNP rs2486620299, ClinGen allele CA369971226.

ClinVar aggregate classification (germline): Uncertain significance (1 of 4 stars; one submission).

Conditions:
CSMD1-related disorder. Also called: CSMD1-related condition.

Allele frequency attached by ClinVar (database versions not stated): gnomAD exomes below 0.00001.
gnomAD v4.1: 1 of 1,610,544 alleles (0.000062%); highest among the groups gnomAD compares: Non-Finnish European, 0.000085%; no homozygotes.

Submission:

PreventionGenetics, part of Exact Sciences
Classification: Uncertain significance for CSMD1-related condition. Last evaluated: 2022-12-29. Review status: criteria provided, single submitter. Criteria: ACMG Guidelines, 2015. Collection method: clinical testing. Allele origin: germline.
Comment: The CSMD1 c.9181T>C variant is predicted to result in the amino acid substitution p.Tyr3061His. To our knowledge, this variant has not been reported in the literature or in a large population database, indicating this variant is rare. At this time, the clinical significance of this variant is uncertain due to the absence of conclusive functional and genetic evidence.